The following is an entry in ClinVar:

ClinVar aggregate classification (germline): Uncertain significance (1 of 4 stars; one submission).

Allele frequency attached by ClinVar (database versions not stated): TOPMed below 0.00001; gnomAD 0.00001 and 0.00002; ExAC 0.00004; gnomAD exomes 0.00004.
gnomAD v4.1: 24 of 1,613,748 alleles (0.0015%); highest among the groups gnomAD compares: Non-Finnish European, 0.00025%; no homozygotes.

Submission:

Labcorp Genetics (formerly Invitae), Labcorp
Classification: Uncertain significance. Last evaluated: 2018-08-29. Review status: criteria provided, single submitter. Criteria: Invitae Variant Classification Sherloc (09022015). Collection method: clinical testing. Allele origin: germline.
Comment: The current clinical and genetic evidence is not sufficient to establish whether loss-of-function variants in FAM175A cause disease. This sequence change creates a premature translational stop signal (p.Leu135*) in the FAM175A gene. It is expected to result in an absent or disrupted protein product. This variant is present in population databases (rs765697539, ExAC 0.08%). This variant has not been reported in the literature in individuals with FAM175A-related disease. In summary, the available evidence is currently insufficient to determine the role of this variant in disease. Therefore, it has been classified as a Variant of Uncertain Significance.

NM_139076.3(ABRAXAS1):c.404T>A (p.Leu135Ter)

Gene: ABRAXAS1 (abraxas 1, BRCA1 A complex subunit; minus strand). Cytogenetic location: 4q21.23.
Variant type: single nucleotide variant.
Coding change: c.404T>A on transcript NM_139076.3 (MANE Select); coding-DNA position 404, T replaced by A.
Protein change: p.Leu135Ter; replaces leucine 135 with a stop codon.
Molecular consequence: nonsense.
Genome position (GRCh38, 1-based): chr4:83,470,275, A>T on the plus strand (T>A on the coding strand, the complement: ABRAXAS1 is on the minus strand). VCF-style: chr4-83470275-A-T. GRCh37 (hg19) VCF-style: chr4-84391428-A-T.
Other names: c.77T>A, p.Leu26Ter (NM_001345962.2); short protein forms L26*, L135*.
Identifiers: ClinVar variation 658566 (VCV000658566.6), dbSNP rs765697539, ClinGen allele CA2990560.